The following is an entry in ClinVar:

ClinVar aggregate classification (germline): Conflicting classifications of pathogenicity. Review status: criteria provided, conflicting classifications (1 of 4 stars). 4 submissions from 4 submitters: Uncertain significance (3); Likely benign (1). Last evaluated 2024-08-07.

Conditions:
Hereditary cancer-predisposing syndrome. Also called: Neoplastic Syndromes, Hereditary; Tumor predisposition; Hereditary Cancer Syndrome; Hereditary neoplastic syndrome. Identifiers: Orphanet 140162, MedGen C0027672, MeSH D009386, MONDO:0015356.
Hereditary breast ovarian cancer syndrome. Also called: Hereditary breast and ovarian cancer syndrome; Hereditary breast and ovarian cancer; Breast and ovarian cancer; Hereditary breast and/or ovarian cancer syndrome; Hereditary breast and ovarian cancer syndrome (HBOC); BRCA1- and BRCA2-Associated Hereditary Breast and Ovarian Cancer. Identifiers: Orphanet 145, MedGen C0677776, MeSH D061325, MONDO:0003582. Disease mechanism: loss of function.

Allele frequency attached by ClinVar (database versions not stated): TOPMed below 0.00001.

Submissions (4):

Labcorp Genetics (formerly Invitae), Labcorp
Classification: Uncertain significance for Hereditary breast ovarian cancer syndrome. Last evaluated: 2024-08-07. Review status: criteria provided, single submitter. Criteria: Invitae Variant Classification Sherloc (09022015). Collection method: clinical testing. Allele origin: germline.
Comment: This sequence change replaces asparagine, which is neutral and polar, with serine, which is neutral and polar, at codon 1666 of the BRCA2 protein (p.Asn1666Ser). This variant is not present in population databases (gnomAD no frequency). This variant has not been reported in the literature in individuals affected with BRCA2-related conditions. ClinVar contains an entry for this variant (Variation ID: 1339676). Advanced modeling of protein sequence and biophysical properties (such as structural, functional, and spatial information, amino acid conservation, physicochemical variation, residue mobility, and thermodynamic stability) performed at Invitae indicates that this missense variant is not expected to disrupt BRCA2 protein function with a negative predictive value of 95%. In summary, the available evidence is currently insufficient to determine the role of this variant in disease. Therefore, it has been classified as a Variant of Uncertain Significance.

Ambry Genetics
Classification: Uncertain significance for Hereditary cancer-predisposing syndrome. Last evaluated: 2023-07-30. Review status: criteria provided, single submitter. Criteria: Ambry Variant Classification Scheme 2023. Collection method: clinical testing. Allele origin: germline.
Comment: The p.N1666S variant (also known as c.4997A>G), located in coding exon 10 of the BRCA2 gene, results from an A to G substitution at nucleotide position 4997. The asparagine at codon 1666 is replaced by serine, an amino acid with highly similar properties. This amino acid position is conserved. In addition, this alteration is predicted to be tolerated by in silico analysis. Since supporting evidence is limited at this time, the clinical significance of this alteration remains unclear.

University of Washington Department of Laboratory Medicine, University of Washington
Classification: Likely benign for Hereditary cancer-predisposing syndrome. Last evaluated: 2023-03-23. Review status: criteria provided, single submitter. Criteria: Dines et al. (Genet Med. 2020). Collection method: curation. Allele origin: germline.
Comment: Missense variant in a coldspot region where missense variants are very unlikely to be pathogenic (PMID:31911673).

BRCA2 exon 11 coldspot. Reclassification based on statistical prior probability.

Women's Health and Genetics/Laboratory Corporation of America, LabCorp
Classification: Uncertain significance. Last evaluated: 2022-01-11. Review status: criteria provided, single submitter. Criteria: LabCorp Variant Classification Summary - May 2015. Collection method: clinical testing. Allele origin: germline.
Comment: Variant summary: BRCA2 c.4997A>G (p.Asn1666Ser) results in a conservative amino acid change in the encoded protein sequence. This variant is also known as 5225A>G. Five of five in-silico tools predict a benign effect of the variant on protein function. The variant was absent in 231534 control chromosomes (gnomAD). The available data on variant occurrences in the general population are insufficient to allow any conclusion about variant significance. To our knowledge, no occurrence of c.4997A>G in individuals affected with Hereditary Breast And Ovarian Cancer Syndrome and no experimental evidence demonstrating its impact on protein function have been reported. No clinical diagnostic laboratories have submitted clinical-significance assessments for this variant to ClinVar after 2014. Based on the evidence outlined above, the variant was classified as uncertain significance.

NM_000059.4(BRCA2):c.4997A>G (p.Asn1666Ser)

Gene: BRCA2 (BRCA2 DNA repair associated; plus strand). Cytogenetic location: 13q13.1.
Variant type: single nucleotide variant.
Coding change: c.4997A>G on transcript NM_000059.4 (MANE Select); coding-DNA position 4997, A replaced by G.
Protein change: p.Asn1666Ser; replaces asparagine 1666 with serine.
Molecular consequence: missense variant.
Genome position (GRCh38, 1-based): chr13:32,339,352, A>G. VCF-style: chr13-32339352-A-G. GRCh37 (hg19) VCF-style: chr13-32913489-A-G.
Other names: short protein forms N1666S.
Identifiers: ClinVar variation 1339676 (VCV001339676.10), dbSNP rs1344419982, ClinGen allele CA387783908.
Genomic context (GRCh38, chr13:32,339,352, plus strand): 5'-AAACAGCAAAAAGTCCTGCAACTTGTTACACAAATCAGTCCCCTTATTCAGTCATTGAAA[A>G]TTCAGCCTTAGCTTTTTACACAAGTTGTAGTAGAAAAACTTCTGTGAGTCAGACTTCATT-3'
Protein context (NP_000050.3, residues 1656-1676): TNQSPYSVIE[Asn1666Ser]SALAFYTSCS